The following is an entry in ClinVar:

NM_021927.3(GUF1):c.1483C>G (p.Arg495Gly)

Gene: GUF1 (GTP binding elongation factor GUF1; plus strand). Cytogenetic location: 4p12.
Variant type: single nucleotide variant.
Coding change: c.1483C>G on transcript NM_021927.3 (MANE Select); coding-DNA position 1483, C replaced by G.
Protein change: p.Arg495Gly; replaces arginine 495 with glycine.
Molecular consequence: missense variant.
Genome position (GRCh38, 1-based): chr4:44,691,669, C>G. VCF-style: chr4-44691669-C-G. GRCh37 (hg19) VCF-style: chr4-44693686-C-G.
Other names: c.511C>G, p.Arg171Gly (NM_001345867.2, NM_001345869.2); c.1483C>G, p.Arg495Gly (NM_001345868.2); short protein forms R495G, R171G.
Identifiers: ClinVar variation 2983885 (VCV002983885.3), dbSNP rs769392101, ClinGen allele CA356764059.

ClinVar aggregate classification (germline): Uncertain significance (1 of 4 stars; one submission).

Allele frequency attached by ClinVar (database versions not stated): TOPMed below 0.00001.
gnomAD v4.1: 4 of 1,584,768 alleles (0.00025%); highest among the groups gnomAD compares: Non-Finnish European, 0.00034%; no homozygotes.

Submission:

Labcorp Genetics (formerly Invitae), Labcorp
Classification: Uncertain significance. Last evaluated: 2023-04-22. Review status: criteria provided, single submitter. Criteria: Invitae Variant Classification Sherloc (09022015). Collection method: clinical testing. Allele origin: germline.
Comment: In summary, the available evidence is currently insufficient to determine the role of this variant in disease. Therefore, it has been classified as a Variant of Uncertain Significance. Advanced modeling of protein sequence and biophysical properties (such as structural, functional, and spatial information, amino acid conservation, physicochemical variation, residue mobility, and thermodynamic stability) has been performed at Invitae for this missense variant, however the output from this modeling did not meet the statistical confidence thresholds required to predict the impact of this variant on GUF1 protein function. This variant has not been reported in the literature in individuals affected with GUF1-related conditions. This variant is not present in population databases (gnomAD no frequency). This sequence change replaces arginine, which is basic and polar, with glycine, which is neutral and non-polar, at codon 495 of the GUF1 protein (p.Arg495Gly).